The following is an entry in ClinVar:

NM_005912.3(MC4R):c.37C>T (p.Leu13=)

Gene: MC4R (melanocortin 4 receptor; minus strand). Cytogenetic location: 18q21.32.
Variant type: single nucleotide variant.
Coding change: c.37C>T on transcript NM_005912.3 (MANE Select); coding-DNA position 37, C replaced by T.
Protein change: p.Leu13=; no amino-acid change (leucine 13 retained).
Molecular consequence: synonymous variant.
Genome position (GRCh38, 1-based): chr18:60,372,313, G>A on the plus strand (C>T on the coding strand, the complement: MC4R is on the minus strand). VCF-style: chr18-60372313-G-A. GRCh37 (hg19) VCF-style: chr18-58039546-G-A.
Identifiers: ClinVar variation 3345548 (VCV003345548.1).

ClinVar aggregate classification (germline): Likely benign (0 of 4 stars; one submission).

Conditions:
MC4R-related disorder. Also called: MC4R-related condition.

Submission:

PreventionGenetics, part of Exact Sciences
Classification: Likely benign for MC4R-related condition. Last evaluated: 2024-04-28. Review status: no assertion criteria provided. Collection method: clinical testing. Allele origin: germline.
Comment: This variant is classified as likely benign based on ACMG/AMP sequence variant interpretation guidelines (Richards et al. 2015 PMID: 25741868, with internal and published modifications).